The following is an entry in ClinVar:

NM_000245.4(MET):c.1371A>G (p.Thr457=)

Gene: MET (MET proto-oncogene, receptor tyrosine kinase; plus strand). Cytogenetic location: 7q31.2.
Variant type: single nucleotide variant.
Coding change: c.1371A>G on transcript NM_000245.4 (MANE Select); coding-DNA position 1371, A replaced by G.
Protein change: p.Thr457=; no amino-acid change (threonine 457 retained).
Molecular consequence: synonymous variant.
Genome position (GRCh38, 1-based): chr7:116,731,838, A>G. VCF-style: chr7-116731838-A-G. GRCh37 (hg19) VCF-style: chr7-116371892-A-G.
Other names: c.1371A>G, p.Thr457= (NM_001127500.3, NM_001324401.3); c.81A>G, p.Thr27= (NM_001324402.2); c.1371A>G (NM_001127500.2).
Identifiers: ClinVar variation 454184 (VCV000454184.18), dbSNP rs201632219, ClinGen allele CA457215224.

ClinVar aggregate classification (germline): Benign/Likely benign. Review status: criteria provided, multiple submitters, no conflicts (2 of 4 stars). 5 submissions from 5 submitters: Benign (1); Likely benign (4). Last evaluated 2026-08-27.

Conditions:
MET-related disorder. Also called: MET-related condition.
Renal cell carcinoma. Identifiers: Orphanet 217071, MedGen C0007134, MeSH D002292, MONDO:0005086, HP:0005584.
Papillary renal cell carcinoma type 1 (RCCP1). Also called: RENAL CELL CARCINOMA, PAPILLARY, 1, SOMATIC; Renal adenocarcinoma; Renal cell carcinoma 1; Renal cell carcinoma, somatic. Identifiers: Orphanet 47044, MedGen C1336839, OMIM 605074, HP:0011797.
Hereditary cancer-predisposing syndrome. Also called: Hereditary neoplastic syndrome; Neoplastic Syndromes, Hereditary; Hereditary Cancer Syndrome; Tumor predisposition. Identifiers: Orphanet 140162, MedGen C0027672, MeSH D009386, MONDO:0015356.

Allele frequency attached by ClinVar (database versions not stated): gnomAD 0.00001; gnomAD exomes 0.00001; 1000 Genomes Project 30x 0.00016.
gnomAD v4.1: 8 of 1,614,128 alleles (0.0005%); highest among the groups gnomAD compares: Non-Finnish European, 0.00068%; no homozygotes.

Submissions (5):

PreventionGenetics, part of Exact Sciences
Classification: Likely benign for MET-related condition. Last evaluated: 2026-08-27. Review status: criteria provided, single submitter. Criteria: ACMG Guidelines, 2015. Collection method: clinical testing. Allele origin: germline.
Comment: This variant is classified as likely benign based on ACMG/AMP sequence variant interpretation guidelines (Richards et al. 2015 PMID: 25741868, with internal and published modifications).

CeGaT Center for Human Genetics Tuebingen
Classification: Likely benign. Last evaluated: 2026-04-01. Review status: criteria provided, single submitter. Criteria: CeGaT Center For Human Genetics Tuebingen Variant Classification Criteria Version 2. Collection method: clinical testing. Allele origin: germline. Affected: yes. Observed: 1 variant allele.
Comment: MET: BP4, BP7

Labcorp Genetics (formerly Invitae), Labcorp
Classification: Likely benign for Renal cell carcinoma. Last evaluated: 2025-11-13. Review status: criteria provided, single submitter. Criteria: Invitae Variant Classification Sherloc (09022015). Collection method: clinical testing. Allele origin: germline.

Myriad Genetics, Inc.
Classification: Benign for Papillary renal cell carcinoma type 1. Last evaluated: 2024-11-07. Review status: criteria provided, single submitter. Criteria: Myriad Autosomal Dominant, Autosomal Recessive and X-Linked Classification Criteria (2023). Collection method: clinical testing. Allele origin: unknown.
Comment: This variant is considered benign. This variant is a silent/synonymous amino acid change and it is not expected to impact splicing.

Ambry Genetics
Classification: Likely benign for Hereditary cancer-predisposing syndrome. Last evaluated: 2020-03-15. Review status: criteria provided, single submitter. Criteria: Ambry Variant Classification Scheme 2023. Collection method: clinical testing. Allele origin: germline.